The following is an entry in ClinVar:

ClinVar aggregate classification (germline): Uncertain significance (1 of 4 stars; one submission).

Conditions:
Developmental and epileptic encephalopathy, 53. Also called: Epileptic encephalopathy, early infantile, 53. Identifiers: MedGen C4479313, MONDO:0033362, OMIM 617389.
Early-onset Parkinson disease 20. Also called: PARKINSON DISEASE 20, AUTOSOMAL RECESSIVE EARLY-ONSET. Identifiers: Orphanet 391411, MedGen C3809824, MONDO:0014233, OMIM 615530.

Submission:

Labcorp Genetics (formerly Invitae), Labcorp
Classification: Uncertain significance for Developmental and epileptic encephalopathy, 53; Early-onset Parkinson disease 20. Last evaluated: 2024-10-24. Review status: criteria provided, single submitter. Criteria: Invitae Variant Classification Sherloc (09022015). Collection method: clinical testing. Allele origin: germline.
Comment: This sequence change replaces proline, which is neutral and non-polar, with alanine, which is neutral and non-polar, at codon 1161 of the SYNJ1 protein (p.Pro1161Ala). This variant is not present in population databases (gnomAD no frequency). This variant has not been reported in the literature in individuals affected with SYNJ1-related conditions. Invitae Evidence Modeling of protein sequence and biophysical properties (such as structural, functional, and spatial information, amino acid conservation, physicochemical variation, residue mobility, and thermodynamic stability) indicates that this missense variant is not expected to disrupt SYNJ1 protein function with a negative predictive value of 80%. In summary, the available evidence is currently insufficient to determine the role of this variant in disease. Therefore, it has been classified as a Variant of Uncertain Significance.

NM_203446.3(SYNJ1):c.3364C>G (p.Pro1122Ala)

Gene: SYNJ1 (synaptojanin 1; minus strand). Cytogenetic location: 21q22.11.
Variant type: single nucleotide variant.
Coding change: c.3364C>G on transcript NM_203446.3 (MANE Select); coding-DNA position 3364, C replaced by G.
Protein change: p.Pro1122Ala; replaces proline 1122 with alanine.
Molecular consequence: missense variant.
Genome position (GRCh38, 1-based): chr21:32,645,673, G>C on the plus strand (C>G on the coding strand, the complement: SYNJ1 is on the minus strand). VCF-style: chr21-32645673-G-C. GRCh37 (hg19) VCF-style: chr21-34017983-G-C.
Other names: c.3364C>G, p.Pro1122Ala (NM_001160302.2); c.3349C>G, p.Pro1117Ala (NM_001160306.2); c.3481C>G, p.Pro1161Ala (NM_003895.4); short protein forms P1117A, P1122A, P1161A.
Identifiers: ClinVar variation 3750359 (VCV003750359.2).